The following is an entry in ClinVar:

ClinVar aggregate classification (germline): Uncertain significance. Review status: criteria provided, multiple submitters, no conflicts (2 of 4 stars). 2 submissions from 2 submitters: Uncertain significance (2). Last evaluated 2023-12-19.

Conditions:
Inborn genetic diseases. Identifiers: MedGen C0950123, MeSH D030342.

Allele frequency attached by ClinVar (database versions not stated): gnomAD exomes 0.00001; gnomAD 0.00007; TOPMed 0.00010.
gnomAD v4.1: 19 of 1,614,132 alleles (0.0012%); highest among the groups gnomAD compares: African/African-American, 0.024%; no homozygotes.

Submissions (2):

Ambry Genetics
Classification: Uncertain significance for Inborn genetic diseases. Last evaluated: 2023-12-19. Review status: criteria provided, single submitter. Criteria: Ambry Variant Classification Scheme 2023. Collection method: clinical testing. Allele origin: germline.

Labcorp Genetics (formerly Invitae), Labcorp
Classification: Uncertain significance. Last evaluated: 2022-05-25. Review status: criteria provided, single submitter. Criteria: Invitae Variant Classification Sherloc (09022015). Collection method: clinical testing. Allele origin: germline.
Comment: This sequence change replaces alanine, which is neutral and non-polar, with threonine, which is neutral and polar, at codon 21 of the PIGP protein (p.Ala21Thr). This variant is present in population databases (no rsID available, gnomAD 0.02%). This variant has not been reported in the literature in individuals affected with PIGP-related conditions. Algorithms developed to predict the effect of missense changes on protein structure and function (SIFT, PolyPhen-2, Align-GVGD) all suggest that this variant is likely to be tolerated. In summary, the available evidence is currently insufficient to determine the role of this variant in disease. Therefore, it has been classified as a Variant of Uncertain Significance.

NM_153682.3(PIGP):c.-12G>A

Gene: PIGP (phosphatidylinositol glycan anchor biosynthesis class P; minus strand). Cytogenetic location: 21q22.13.
Variant type: single nucleotide variant.
Coding change: c.-12G>A on transcript NM_153682.3 (MANE Select); 12 bases upstream of the start codon, G replaced by A.
Molecular consequence: 5 prime UTR variant. On other transcripts: missense variant (1).
Genome position (GRCh38, 1-based): chr21:37,072,527, C>T on the plus strand (G>A on the coding strand, the complement: PIGP is on the minus strand). VCF-style: chr21-37072527-C-T. GRCh37 (hg19) VCF-style: chr21-38444827-C-T.
Other names: c.-12G>A (NM_001320480.2); c.-256G>A (NM_016430.4); c.61G>A, p.Ala21Thr (NM_153681.2); short protein forms A21T.
Identifiers: ClinVar variation 1353317 (VCV001353317.6), dbSNP rs1052989408, ClinGen allele CA320407912.